The following is an entry in ClinVar:

ClinVar aggregate classification (germline): Pathogenic (1 of 4 stars; one submission).

Conditions:
Duchenne muscular dystrophy (DMD). Also called: Duchenne Muscular Dystrophy (DMD); MUSCULAR DYSTROPHY, PSEUDOHYPERTROPHIC PROGRESSIVE, DUCHENNE TYPE. Identifiers: Orphanet 98896, MedGen C0013264, MONDO:0010679, OMIM 310200.

Submission:

Labcorp Genetics (formerly Invitae), Labcorp
Classification: Pathogenic for Duchenne muscular dystrophy. Last evaluated: 2022-10-03. Review status: criteria provided, single submitter. Criteria: Invitae Variant Classification Sherloc (09022015). Collection method: clinical testing. Allele origin: germline.
Comment: This variant is a gross deletion of the genomic region encompassing exon(s) 1 of the DMD gene, which includes the initiator codon. This deletion extends beyond the assayed region for this gene and therefore may encompass additional genes. It is expected to result in an absent or disrupted protein product. Loss-of-function variants in DMD are known to be pathogenic (PMID: 16770791, 25007885). A similar copy number variant has been observed in individuals with DMD-related conditions (PMID: 8361506, 18752307, 25076844, 26718981). For these reasons, this variant has been classified as Pathogenic.

Literature cited by the submitters: PubMed 16770791; PubMed 25007885; PubMed 8361506; PubMed 18752307; PubMed 25076844; PubMed 26718981.

NC_000023.10:g.(?_33229379)_(33229429_?)del

Gene: DMD (dystrophin; minus strand). Cytogenetic location: Xp21.1.
Variant type: Deletion.
Identifiers: ClinVar variation 2424814 (VCV002424814.4).